The following is an entry in ClinVar:

ClinVar aggregate classification (germline): Uncertain significance. Review status: criteria provided, multiple submitters, no conflicts (2 of 4 stars). 2 submissions from 2 submitters: Uncertain significance (2). Last evaluated 2025-06-01.

Conditions:
FAT1-related disorder. Also called: FAT1-related condition.

Allele frequency attached by ClinVar (database versions not stated): ExAC 0.00001; gnomAD exomes 0.00001; gnomAD 0.00002; TOPMed 0.00003.
gnomAD v4.1: 23 of 1,613,844 alleles (0.0014%); highest among the groups gnomAD compares: Admixed American, 0.005%; no homozygotes.

Submissions (2):

CeGaT Center for Human Genetics Tuebingen
Classification: Uncertain significance. Last evaluated: 2025-06-01. Review status: criteria provided, single submitter. Criteria: CeGaT Center For Human Genetics Tuebingen Variant Classification Criteria Version 2. Collection method: clinical testing. Allele origin: germline. Affected: yes. Observed: 1 variant allele.
Comment: FAT1: PM2:Supporting, BP4

PreventionGenetics, part of Exact Sciences
Classification: Uncertain significance for FAT1-related condition. Last evaluated: 2023-06-22. Review status: criteria provided, single submitter. Criteria: ACMG Guidelines, 2015. Collection method: clinical testing. Allele origin: germline.
Comment: The FAT1 c.5788G>C variant is predicted to result in the amino acid substitution p.Asp1930His. This variant was reported in an individual with spinocerebellar ataxia (Nibbeling et al. 2017. PubMed ID: 29053796). This variant is reported in 0.0047% of alleles in individuals of European (Non-Finnish) descent in gnomAD. At this time, the clinical significance of this variant is uncertain due to the absence of conclusive functional and genetic evidence.

NM_005245.4(FAT1):c.5788G>C (p.Asp1930His)

Gene: FAT1 (FAT atypical cadherin 1; minus strand). Cytogenetic location: 4q35.2.
Variant type: single nucleotide variant.
Coding change: c.5788G>C on transcript NM_005245.4 (MANE Select); coding-DNA position 5788, G replaced by C.
Protein change: p.Asp1930His; replaces aspartic acid 1930 with histidine.
Molecular consequence: missense variant.
Genome position (GRCh38, 1-based): chr4:186,620,798, C>G on the plus strand (G>C on the coding strand, the complement: FAT1 is on the minus strand). VCF-style: chr4-186620798-C-G. GRCh37 (hg19) VCF-style: chr4-187541952-C-G.
Other names: short protein forms D1930H.
Identifiers: ClinVar variation 2628528 (VCV002628528.11), dbSNP rs748622474, ClinGen allele CA3166384.